The following is an entry in ClinVar:

NM_018984.4(SSH1):c.597C>T (p.Pro199=)

Gene: SSH1 (slingshot protein phosphatase 1; minus strand). Cytogenetic location: 12q24.11.
Variant type: single nucleotide variant.
Coding change: c.597C>T on transcript NM_018984.4 (MANE Select); coding-DNA position 597, C replaced by T.
Protein change: p.Pro199=; no amino-acid change (proline 199 retained).
Molecular consequence: synonymous variant.
Genome position (GRCh38, 1-based): chr12:108,807,767, G>A on the plus strand (C>T on the coding strand, the complement: SSH1 is on the minus strand). VCF-style: chr12-108807767-G-A. GRCh37 (hg19) VCF-style: chr12-109201543-G-A.
Other names: c.597C>T, p.Pro199= (NM_001161330.2); c.630C>T, p.Pro210= (NM_001161331.1).
Identifiers: ClinVar variation 2643267 (VCV002643267.24), dbSNP rs774379103, ClinGen allele CA6770530.

ClinVar aggregate classification (germline): Likely benign (1 of 4 stars; one submission).

Allele frequency attached by ClinVar (database versions not stated): TOPMed 0.00004; gnomAD 0.00005; ExAC 0.00007.
gnomAD v4.1: 97 of 1,613,740 alleles (0.006%); highest among the groups gnomAD compares: Admixed American, 0.0083%; no homozygotes.

Submission:

CeGaT Center for Human Genetics Tuebingen
Classification: Likely benign. Last evaluated: 2022-11-01. Review status: criteria provided, single submitter. Criteria: CeGaT Center For Human Genetics Tuebingen Variant Classification Criteria Version 2. Collection method: clinical testing. Allele origin: germline. Affected: yes. Observed: 1 variant allele.
Comment: SSH1: BP4, BP7